The following is an entry in ClinVar:

ClinVar aggregate classification (germline): Uncertain significance (1 of 4 stars; one submission).

Conditions:
Episodic ataxia type 2 (EA2). Also called: ACETAZOLAMIDE-RESPONSIVE HEREDITARY PAROXYSMAL CEREBELLAR ATAXIA; ATAXIA, EPISODIC, WITH NYSTAGMUS; ATAXIA, FAMILIAL PAROXYSMAL; CEREBELLAR ATAXIA, PAROXYSMAL, ACETAZOLAMIDE-RESPONSIVE; CEREBELLOPATHY, HEREDITARY PAROXYSMAL; EPISODIC ATAXIA, NYSTAGMUS-ASSOCIATED. Identifiers: Orphanet 97, MedGen C1720416, MONDO:0007163, OMIM 108500.
Developmental and epileptic encephalopathy, 42 (DEE42A). Also called: Epileptic encephalopathy, early infantile, 42; DEVELOPMENTAL AND EPILEPTIC ENCEPHALOPATHY 42A; EPILEPTIC ENCEPHALOPATHY, EARLY INFANTILE, 42A. Identifiers: MedGen C4310716, MONDO:0014917, OMIM 617106.

gnomAD v4.1: 2 of 1,556,470 alleles (0.00013%); highest among the groups gnomAD compares: Non-Finnish European, 0.00017%; no homozygotes.

Submission:

Labcorp Genetics (formerly Invitae), Labcorp
Classification: Uncertain significance for Developmental and epileptic encephalopathy, 42; Episodic ataxia type 2. Last evaluated: 2024-11-09. Review status: criteria provided, single submitter. Criteria: Invitae Variant Classification Sherloc (09022015). Collection method: clinical testing. Allele origin: germline.
Comment: This sequence change replaces isoleucine, which is neutral and non-polar, with threonine, which is neutral and polar, at codon 446 of the CACNA1A protein (p.Ile446Thr). This variant is not present in population databases (gnomAD no frequency). This variant has not been reported in the literature in individuals affected with CACNA1A-related conditions. Invitae Evidence Modeling of protein sequence and biophysical properties (such as structural, functional, and spatial information, amino acid conservation, physicochemical variation, residue mobility, and thermodynamic stability) has been performed for this missense variant. However, the output from this modeling did not meet the statistical confidence thresholds required to predict the impact of this variant on CACNA1A protein function. In summary, the available evidence is currently insufficient to determine the role of this variant in disease. Therefore, it has been classified as a Variant of Uncertain Significance.

NM_001127222.2(CACNA1A):c.1334T>C (p.Ile445Thr)

Gene: CACNA1A (calcium voltage-gated channel subunit alpha1 A; minus strand). Cytogenetic location: 19p13.13.
Variant type: single nucleotide variant.
Coding change: c.1334T>C on transcript NM_001127222.2 (MANE Select); coding-DNA position 1334, T replaced by C.
Protein change: p.Ile445Thr; replaces isoleucine 445 with threonine.
Molecular consequence: missense variant.
Genome position (GRCh38, 1-based): chr19:13,330,255, A>G on the plus strand (T>C on the coding strand, the complement: CACNA1A is on the minus strand). VCF-style: chr19-13330255-A-G. GRCh37 (hg19) VCF-style: chr19-13441069-A-G.
Other names: c.1337T>C, p.Ile446Thr (NM_000068.4, NM_001127221.2, NM_001174080.2 and 1 more transcripts); short protein forms I445T, I446T.
Identifiers: ClinVar variation 3748839 (VCV003748839.2).